The following is an entry in ClinVar:

ClinVar aggregate classification (germline): Uncertain significance (1 of 4 stars; one submission).

Submission:

GeneDx
Classification: Uncertain significance. Last evaluated: 2025-05-05. Review status: criteria provided, single submitter. Criteria: GeneDx Variant Classification Process June 2021. Collection method: clinical testing. Allele origin: germline. Affected: yes.
Comment: Not observed at significant frequency in large population cohorts (gnomAD); In silico analysis supports that this missense variant has a deleterious effect on protein structure/function; Has not been previously published as pathogenic or benign to our knowledge

NM_001128840.3(CACNA1D):c.4783C>T (p.Pro1595Ser)

Gene: CACNA1D (calcium voltage-gated channel subunit alpha1 D; plus strand). Cytogenetic location: 3p21.1.
Variant type: single nucleotide variant.
Coding change: c.4783C>T on transcript NM_001128840.3 (MANE Select); coding-DNA position 4783, C replaced by T.
Protein change: p.Pro1595Ser; replaces proline 1595 with serine.
Molecular consequence: missense variant.
Genome position (GRCh38, 1-based): chr3:53,781,658, C>T. VCF-style: chr3-53781658-C-T. GRCh37 (hg19) VCF-style: chr3-53815685-C-T.
Other names: c.4843C>T, p.Pro1615Ser (NM_000720.4); c.4738C>T, p.Pro1580Ser (NM_001128839.3); short protein forms P1580S, P1595S, P1615S.
Identifiers: ClinVar variation 4528087 (VCV004528087.1).